The following is an entry in ClinVar:

ClinVar aggregate classification (germline): Likely benign (1 of 4 stars; one submission).

gnomAD v4.1: 21 of 1,614,210 alleles (0.0013%); highest among the groups gnomAD compares: East Asian, 0.018%; no homozygotes.

Submission:

CeGaT Center for Human Genetics Tuebingen
Classification: Likely benign. Last evaluated: 2026-09-01. Review status: criteria provided, single submitter. Criteria: CeGaT Center For Human Genetics Tuebingen Variant Classification Criteria Version 2. Collection method: clinical testing. Allele origin: germline. Affected: yes. Observed: 1 variant allele.
Comment: FRMD5: BP4, BP7

NM_032892.5(FRMD5):c.1569C>T (p.Thr523=)

Gene: FRMD5 (FERM domain containing 5; minus strand). Cytogenetic location: 15q15.3.
Variant type: single nucleotide variant.
Coding change: c.1569C>T on transcript NM_032892.5 (MANE Select); coding-DNA position 1569, C replaced by T.
Protein change: p.Thr523=; no amino-acid change (threonine 523 retained).
Molecular consequence: synonymous variant. On other transcripts: non-coding transcript variant (1), intron variant (5).
Genome position (GRCh38, 1-based): chr15:43,874,029, G>A on the plus strand (C>T on the coding strand, the complement: FRMD5 is on the minus strand). VCF-style: chr15-43874029-G-A. GRCh37 (hg19) VCF-style: chr15-44166227-G-A.
Other names: c.867C>T, p.Thr289= (NM_001286491.2); c.1374+90C>T (NM_001322951.2); c.1479+90C>T (NM_001322949.2, NM_001411124.1, NM_001322950.2); c.1197+90C>T (NM_001286490.2).
Identifiers: ClinVar variation 5040893 (VCV005040893.1).
Genomic context (GRCh38, chr15:43,874,029, plus strand): 5'-TTGTTCAAACTCGGGGGTCTGGCGGATATCACGGAAAAAGGCAATGTCAAGGTCAGACTC[G>A]GTAAGGATGATCAGGAGGAGGAGCAAAACAAAGAGGAGTCCCATGGTCACAAGGAGCAAA-3'
Protein context (NP_116281.2, residues 513-533): FVLLLLLIIL[Thr523=]ESDLDIAFFR